The following is an entry in ClinVar:

ClinVar aggregate classification (germline): Uncertain significance (1 of 4 stars; one submission).

Conditions:
Childhood kidney Wilms tumor. Identifiers: MedGen C1333015, MONDO:0024676.

Submission:

Clinical Genetics Laboratory, Skane University Hospital Lund
Classification: Uncertain significance for Childhood kidney Wilms tumor. Last evaluated: 2025-03-12. Review status: criteria provided, single submitter. Criteria: ACMG Guidelines, 2015. Collection method: clinical testing. Allele origin: germline. Affected: yes.
Comment: ACMG criteria used: PM2

NM_005612.5(REST):c.1135C>T (p.His379Tyr)

Gene: REST (RE1 silencing transcription factor; plus strand). Cytogenetic location: 4q12.
Variant type: single nucleotide variant.
Coding change: c.1135C>T on transcript NM_005612.5 (MANE Select); coding-DNA position 1135, C replaced by T.
Protein change: p.His379Tyr; replaces histidine 379 with tyrosine.
Molecular consequence: missense variant.
Genome position (GRCh38, 1-based): chr4:56,929,993, C>T. VCF-style: chr4-56929993-C-T. GRCh37 (hg19) VCF-style: chr4-57796159-C-T.
Other names: c.1135C>T, p.His379Tyr (NM_001193508.2, NM_001363453.3); short protein forms H379Y.
Identifiers: ClinVar variation 3767320 (VCV003767320.1).